The following is an entry in ClinVar:

ClinVar aggregate classification (germline): Uncertain significance (1 of 4 stars; one submission).

Conditions:
Werner syndrome (WRN). Identifiers: Orphanet 902, MedGen C0043119, MONDO:0010196, OMIM 277700.

Allele frequency attached by ClinVar (database versions not stated): TOPMed below 0.00001; gnomAD 0.00001.
gnomAD v4.1: 1 of 1,613,674 alleles (0.000062%); highest among the groups gnomAD compares: African/African-American, 0.0013%; no homozygotes.

Submission:

Labcorp Genetics (formerly Invitae), Labcorp
Classification: Uncertain significance for Werner syndrome. Last evaluated: 2022-01-26. Review status: criteria provided, single submitter. Criteria: Invitae Variant Classification Sherloc (09022015). Collection method: clinical testing. Allele origin: germline.
Comment: This sequence change replaces serine, which is neutral and polar, with asparagine, which is neutral and polar, at codon 38 of the WRN protein (p.Ser38Asn). This variant is not present in population databases (gnomAD no frequency). This variant has not been reported in the literature in individuals affected with WRN-related conditions. ClinVar contains an entry for this variant (Variation ID: 1005885). Algorithms developed to predict the effect of missense changes on protein structure and function are either unavailable or do not agree on the potential impact of this missense change (SIFT: "Not Available"; PolyPhen-2: "Benign"; Align-GVGD: "Not Available"). In summary, the available evidence is currently insufficient to determine the role of this variant in disease. Therefore, it has been classified as a Variant of Uncertain Significance.

NM_000553.6(WRN):c.113G>A (p.Ser38Asn)

Gene: WRN (WRN RecQ like helicase; plus strand). Cytogenetic location: 8p12.
Variant type: single nucleotide variant.
Coding change: c.113G>A on transcript NM_000553.6 (MANE Select); coding-DNA position 113, G replaced by A.
Protein change: p.Ser38Asn; replaces serine 38 with asparagine.
Molecular consequence: missense variant.
Genome position (GRCh38, 1-based): chr8:31,059,169, G>A. VCF-style: chr8-31059169-G-A. GRCh37 (hg19) VCF-style: chr8-30916685-G-A.
Other names: short protein forms S38N.
Identifiers: ClinVar variation 1005885 (VCV001005885.2), dbSNP rs1812387510, ClinGen allele CA370912356.